The following is an entry in ClinVar:

NM_003504.5(CDC45):c.793G>A (p.Val265Met)

Gene: CDC45 (cell division cycle 45; plus strand). Cytogenetic location: 22q11.21.
Variant type: single nucleotide variant.
Coding change: c.793G>A on transcript NM_003504.5 (MANE Select); coding-DNA position 793, G replaced by A.
Protein change: p.Val265Met; replaces valine 265 with methionine.
Molecular consequence: missense variant. On other transcripts: non-coding transcript variant (1).
Genome position (GRCh38, 1-based): chr22:19,505,450, G>A. VCF-style: chr22-19505450-G-A. GRCh37 (hg19) VCF-style: chr22-19492973-G-A.
Other names: c.889G>A, p.Val297Met (NM_001178010.2); c.655G>A, p.Val219Met (NM_001178011.2); c.757G>A, p.Val253Met (NM_001369291.1); short protein forms V253M, V297M, V219M, V265M.
Identifiers: ClinVar variation 1942014 (VCV001942014.3), dbSNP rs551487753, ClinGen allele CA10101231.

ClinVar aggregate classification (germline): Uncertain significance. Review status: criteria provided, multiple submitters, no conflicts (2 of 4 stars). 2 submissions from 2 submitters: Uncertain significance (2). Last evaluated 2022-04-14.

Conditions:
Inborn genetic diseases. Identifiers: MedGen C0950123, MeSH D030342.

Allele frequency attached by ClinVar (database versions not stated): gnomAD exomes below 0.00001; TOPMed 0.00001; gnomAD 0.00003; ExAC 0.00001.
gnomAD v4.1: 11 of 1,613,982 alleles (0.00068%); highest among the groups gnomAD compares: African/African-American, 0.0027%; no homozygotes.

Submissions (2):

Ambry Genetics
Classification: Uncertain significance for Inborn genetic diseases. Last evaluated: 2022-04-14. Review status: criteria provided, single submitter. Criteria: Ambry Variant Classification Scheme 2023. Collection method: clinical testing. Allele origin: germline.

Labcorp Genetics (formerly Invitae), Labcorp
Classification: Uncertain significance. Last evaluated: 2021-09-01. Review status: criteria provided, single submitter. Criteria: Invitae Variant Classification Sherloc (09022015). Collection method: clinical testing. Allele origin: germline.
Comment: This sequence change replaces valine with methionine at codon 297 of the CDC45 protein (p.Val297Met). The valine residue is moderately conserved and there is a small physicochemical difference between valine and methionine. This variant is present in population databases (rs551487753, ExAC 0.002%). This variant has not been reported in the literature in individuals affected with CDC45-related conditions. Algorithms developed to predict the effect of missense changes on protein structure and function are either unavailable or do not agree on the potential impact of this missense change (SIFT: "Deleterious"; PolyPhen-2: "Benign"; Align-GVGD: "Class C0"). In summary, the available evidence is currently insufficient to determine the role of this variant in disease. Therefore, it has been classified as a Variant of Uncertain Significance.